The following is an entry in ClinVar:

ClinVar aggregate classification (germline): Uncertain significance. Review status: criteria provided, multiple submitters, no conflicts (2 of 4 stars). 9 submissions from 9 submitters: Uncertain significance (8). 1 of the submissions does not count toward it. Last evaluated 2025-12-21.

Conditions:
Cardiovascular phenotype. Identifiers: MedGen CN230736.
Cardiac arrhythmia. Also called: Arrhythmia; Cardiac rhythm disease. Identifiers: MedGen C0003811, MONDO:0007263, HP:0011675.
Familial long QT syndrome (RWS). Also called: Congenital long QT syndrome; Romano-Ward syndrome; VENTRICULAR FIBRILLATION WITH PROLONGED QT INTERVAL. Identifiers: Orphanet 768, MedGen C1141890, MONDO:0019171.
Atrial fibrillation, familial, 3 (ATFB3). Identifiers: MedGen C1837014, MONDO:0011857, OMIM 607554.
Long QT syndrome 1 (LQT1). Identifiers: Orphanet 101016, Orphanet 768, MedGen C4551647, MONDO:0100316, OMIM 192500, MONDO:0008646.
Beckwith-Wiedemann syndrome (BWS). Also called: Exomphalos macroglossia gigantism syndrome; EMG SYNDROME. Identifiers: Orphanet 116, MedGen C0004903, MONDO:0007534, OMIM 130650.
Jervell and Lange-Nielsen syndrome 1 (JLNS1). Also called: CARDIOAUDITORY SYNDROME OF JERVELL AND LANGE-NIELSEN; DEAFNESS, CONGENITAL, AND FUNCTIONAL HEART DISEASE; PROLONGED QT INTERVAL IN EKG AND SUDDEN DEATH; SURDO-CARDIAC SYNDROME. Identifiers: Orphanet 768, Orphanet 90647, MedGen C4551509, MONDO:0024540, OMIM 220400.
Short QT syndrome type 2. Identifiers: Orphanet 51083, MedGen C1865019, MONDO:0012313, OMIM 609621.
Long QT syndrome (LQTS). Identifiers: MedGen C0023976, MeSH D008133, MONDO:0002442. Disease mechanism: loss of function. Inheritance: Various modes of inheritance.

Allele frequency attached by ClinVar (database versions not stated): gnomAD exomes 0.00002 and 0.00004; gnomAD 0.00003; ExAC 0.00005; TOPMed 0.00002.
gnomAD v4.1: 35 of 1,613,920 alleles (0.0022%); highest among the groups gnomAD compares: Middle Eastern, 0.016%; no homozygotes.

Submissions (9):

Labcorp Genetics (formerly Invitae), Labcorp
Classification: Uncertain significance for Long QT syndrome. Last evaluated: 2025-12-21. Review status: criteria provided, single submitter. Criteria: Invitae Variant Classification Sherloc (09022015). Collection method: clinical testing. Allele origin: germline.
Comment: This sequence change replaces arginine, which is basic and polar, with cysteine, which is neutral and slightly polar, at codon 519 of the KCNQ1 protein (p.Arg519Cys). This variant is present in population databases (rs199472787, gnomAD 0.006%). This missense change has been observed in individual(s) with long QT syndrome and sudden unexplained nocturnal death (PMID: 12566525, 35091851). ClinVar contains an entry for this variant (Variation ID: 67037). Invitae Evidence Modeling of protein sequence and biophysical properties (such as structural, functional, and spatial information, amino acid conservation, physicochemical variation, residue mobility, and thermodynamic stability) has been performed for this missense variant. However, the output from this modeling did not meet the statistical confidence thresholds required to predict the impact of this variant on KCNQ1 protein function. Experimental studies have shown that this missense change does not substantially affect KCNQ1 function (PMID: 24190995). In summary, the available evidence is currently insufficient to determine the role of this variant in disease. Therefore, it has been classified as a Variant of Uncertain Significance.

Genomic Medicine Center of Excellence, King Faisal Specialist Hospital and Research Centre
Classification: Uncertain significance for Long QT syndrome 1. Last evaluated: 2025-09-10. Review status: criteria provided, single submitter. Criteria: ACMG Guidelines, 2015. Collection method: clinical testing. Allele origin: germline.

GeneDx
Classification: Uncertain significance. Last evaluated: 2025-08-14. Review status: criteria provided, single submitter. Criteria: GeneDx Variant Classification Process June 2021. Collection method: clinical testing. Allele origin: germline.
Comment: Published functional studies demonstrate no significant impact on ATP binding, which is crucial for KCNQ1 channel activation (PMID: 24190995); In silico analysis supports that this missense variant has a deleterious effect on protein structure/function; This variant is associated with the following publications: (PMID: 12566525, 35091851, 24190995)

All of Us Research Program, National Institutes of Health
Classification: Uncertain significance for Long QT syndrome. Last evaluated: 2023-11-02. Review status: criteria provided, single submitter. Criteria: ACMG Guidelines, 2015. Collection method: clinical testing. Allele origin: germline. Inheritance: Autosomal dominant inheritance. Observed: 10 variant alleles, 10 heterozygotes.
Comment: This missense variant replaces arginine with cysteine at codon 519 of the KCNQ1 protein. Computational prediction suggests that this variant may have deleterious impact on protein structure and function (internally defined REVEL score threshold >= 0.7, PMID: 27666373). This variant is found within a highly conserved C-terminus region (a.a. 509-575). Rare non-truncating variants in this region have been shown to be significantly overrepresented in individuals with long QT syndrome (PMID: 32893267). To our knowledge, functional studies have not been reported for this variant. This variant has been reported in two individuals affected with long QT syndrome (PMID: 12566525, Kostereva 2022 DOI: 10.35336/VA-2022-1-02). This variant has been identified in 11/251406 chromosomes in the general population by the Genome Aggregation Database (gnomAD). The available evidence is insufficient to determine the role of this variant in disease conclusively. Therefore, this variant is classified as a Variant of Uncertain Significance.

This study involves interpretation of variants in research participants for the purpose of population health screening. Participant phenotype was not available at the time of variant classification. Additional details can be found in publication PMID: 35346344, PMCID: PMC8962531

Color Diagnostics, LLC DBA Color Health
Classification: Uncertain significance for Cardiac arrhythmia. Last evaluated: 2023-10-22. Review status: criteria provided, single submitter. Criteria: ACMG Guidelines, 2015. Collection method: clinical testing. Allele origin: germline.
Comment: This missense variant replaces arginine with cysteine at codon 519 of the KCNQ1 protein. Computational prediction suggests that this variant may have deleterious impact on protein structure and function (internally defined REVEL score threshold >= 0.7, PMID: 27666373). This variant is found within a highly conserved C-terminus region (a.a. 509-575). Rare non-truncating variants in this region have been shown to be significantly overrepresented in individuals with long QT syndrome (PMID: 32893267). To our knowledge, functional studies have not been reported for this variant. This variant has been reported in two individuals affected with long QT syndrome (PMID: 12566525, Kostereva 2022 DOI: 10.35336/VA-2022-1-02). This variant has been identified in 11/251406 chromosomes in the general population by the Genome Aggregation Database (gnomAD). The available evidence is insufficient to determine the role of this variant in disease conclusively. Therefore, this variant is classified as a Variant of Uncertain Significance.

Fulgent Genetics
Classification: Uncertain significance for Beckwith-Wiedemann syndrome; Long QT syndrome 1; Jervell and Lange-Nielsen syndrome 1; Atrial fibrillation, familial, 3; Short QT syndrome type 2. Last evaluated: 2018-10-31. Review status: criteria provided, single submitter. Criteria: ACMG Guidelines, 2015. Collection method: clinical testing. Allele origin: unknown.

Ambry Genetics
Classification: Uncertain significance for Cardiovascular phenotype. Last evaluated: 2017-05-19. Review status: criteria provided, single submitter. Criteria: Ambry Variant Classification Scheme 2023. Collection method: clinical testing. Allele origin: germline.

Laboratory for Molecular Medicine, Mass General Brigham Personalized Medicine
Classification: Uncertain significance. Last evaluated: 2016-06-23. Review status: criteria provided, single submitter. Criteria: LMM Criteria. Collection method: clinical testing. Allele origin: germline.
Comment: Variant identified in a genome or exome case(s) and assessed due to predicted null impact of the variant or pathogenic assertions in the literature or databases. Disclaimer: This variant has not undergone full assessment. The following are preliminary notes: Reported in 1-2 probands; ClinVar: 1 Pathogenic

Cardiovascular Biomedical Research Unit, Royal Brompton & Harefield NHS Foundation Trust
No classification provided. Condition: Familial long QT syndrome. Review status: no classification provided. Collection method: literature only. Allele origin: germline. Not counted in ClinVar's aggregate classification.
Comment: This variant has been reported as associated with Long QT syndrome in the following publications (PMID:12566525). This is a literature report, and does not necessarily reflect the clinical interpretation of the Imperial College / Royal Brompton Cardiovascular Genetics laboratory.

Literature cited by the submitters: PubMed 12566525 (cited by 4 submitters); PubMed 35091851 (cited by Labcorp Genetics (formerly Invitae), Labcorp); PubMed 24190995 (cited by Labcorp Genetics (formerly Invitae), Labcorp); PubMed 32893267 (cited by All of Us Research Program, National Institutes of Health and Color Diagnostics, LLC DBA Color Health); PubMed 22581653 (cited by Cardiovascular Biomedical Research Unit, Royal Brompton & Harefield NHS Foundation Trust).

NM_000218.3(KCNQ1):c.1555C>T (p.Arg519Cys)

Gene: KCNQ1 (potassium voltage-gated channel subfamily Q member 1; plus strand). Cytogenetic location: 11p15.5.
Variant type: single nucleotide variant.
Coding change: c.1555C>T on transcript NM_000218.3 (MANE Select); coding-DNA position 1555, C replaced by T.
Protein change: p.Arg519Cys; replaces arginine 519 with cysteine.
Molecular consequence: missense variant.
Genome position (GRCh38, 1-based): chr11:2,768,884, C>T. VCF-style: chr11-2768884-C-T. GRCh37 (hg19) VCF-style: chr11-2790114-C-T.
Other names: c.1555C>T (LRG_287t1); c.1459C>T, p.Arg487Cys (NM_001406836.1); c.1285C>T, p.Arg429Cys (NM_001406837.1); c.1015C>T, p.Arg339Cys (NM_001406838.1); c.1174C>T, p.Arg392Cys (NM_181798.2); short protein forms R519C, R392C, R487C, R429C, R339C.
Identifiers: ClinVar variation 67037 (VCV000067037.26), dbSNP rs199472787, ClinGen allele CA005917.